The following is an entry in ClinVar:

NM_000044.6(AR):c.1443C>A (p.Tyr481Ter)

Gene: AR (androgen receptor; plus strand). Cytogenetic location: Xq12.
Variant type: single nucleotide variant.
Coding change: c.1443C>A on transcript NM_000044.6 (MANE Select); coding-DNA position 1443, C replaced by A.
Protein change: p.Tyr481Ter; replaces tyrosine 481 with a stop codon.
Molecular consequence: nonsense. On other transcripts: 5 prime UTR variant (1).
Genome position (GRCh38, 1-based): chrX:67,546,589, C>A. VCF-style: chrX-67546589-C-A. GRCh37 (hg19) VCF-style: chrX-66766431-C-A.
Other names: c.-341C>A (NM_001011645.3); c.1443C>A, p.Tyr481Ter (NM_001348061.1, NM_001348063.1, NM_001348064.1); short protein forms Y481*.
Identifiers: ClinVar variation 1368614 (VCV001368614.11), dbSNP rs766161615, ClinGen allele CA413427365.
Genomic context (GRCh38, chrX:67,546,589, plus strand): 5'-CGGCGGCGGCGGCGGCGGCGGCGGCGGCGGCGGCGGCGAGGCGGGAGCTGTAGCCCCCTA[C>A]GGCTACACTCGGCCCCCTCAGGGGCTGGCGGGCCAGGAAAGCGACTTCACCGCACCTGAT-3'

ClinVar aggregate classification (germline): Pathogenic/Likely pathogenic. Review status: criteria provided, multiple submitters, no conflicts (2 of 4 stars). 3 submissions from 3 submitters: Pathogenic (2); Likely pathogenic (1). Last evaluated 2024-07-01.

Conditions:
Androgen resistance syndrome (AIS). Also called: ANDROGEN RECEPTOR DEFICIENCY; DIHYDROTESTOSTERONE RECEPTOR DEFICIENCY; Androgen insensitivity; DHTR DEFICIENCY; Androgen insensitivity syndrome; Androgen insensitivity, complete. Identifiers: Orphanet 754, Orphanet 99429, MedGen C0039585, MONDO:0019154, OMIM 300068. Disease mechanism: loss of function.
Kennedy disease (SMAX1). Also called: Spinal and Bulbar Muscular Atrophy; KENNEDY SPINAL AND BULBAR MUSCULAR ATROPHY; SPINAL AND BULBAR MUSCULAR ATROPHY, X-LINKED 1. Identifiers: Orphanet 481, MedGen C1839259, MONDO:0010735, OMIM 313200.
AR-related disorders.

Submissions (3):

Genetic Services Laboratory, University of Chicago
Classification: Likely pathogenic. Last evaluated: 2024-07-01. Review status: criteria provided, single submitter. Criteria: ACMG Guidelines, 2015. Collection method: clinical testing. Allele origin: germline. Affected: yes.
Comment: DNA sequence analysis of the AR gene demonstrated a sequence change, c.1443C>A, which results in the creation of a premature stop codon at amino acid position 481, p.Tyr481*. This sequence change is predicted to result in an abnormal transcript, which may be degraded, or may lead to the production of a truncated AR protein with potentially abnormal function. This sequence change has not been described in population databases such as ExAC and gnomAD. This sequence change (referred as Tyr480Stop in the literature) has previously been described in an individual with clinical features of androgen insensitivity syndrome (PMID: 10571951). Other loss-of-function variants in AR have been reported in individuals with androgen insensitivity syndrome (PMID: 19463997, 36617173).These collective evidences indicate that this sequence change is likely pathogenic, however functional studies have not been performed to prove this conclusively.

Blueprint Genetics
Classification: Pathogenic for AR-related disorders. Last evaluated: 2023-02-28. Review status: criteria provided, single submitter. Criteria: ACMG Guidelines, 2015. Collection method: clinical testing. Allele origin: germline. Affected: yes. Observed: 1 variant allele.

Labcorp Genetics (formerly Invitae), Labcorp
Classification: Pathogenic for Kennedy disease; Androgen resistance syndrome. Last evaluated: 2021-06-02. Review status: criteria provided, single submitter. Criteria: Invitae Variant Classification Sherloc (09022015). Collection method: clinical testing. Allele origin: germline.
Comment: For these reasons, this variant has been classified as Pathogenic. This variant has been observed in individual(s) with clinical features of androgen insensitivity syndrome (PMID: 10571951). This variant is also known as Y480Ter. This variant is not present in population databases (ExAC no frequency). This sequence change creates a premature translational stop signal (p.Tyr481*) in the AR gene. It is expected to result in an absent or disrupted protein product. Loss-of-function variants in AR are known to be pathogenic (PMID: 19463997).

Literature cited by the submitters: PubMed 10571951 (cited by Labcorp Genetics (formerly Invitae), Labcorp); PubMed 19463997 (cited by Labcorp Genetics (formerly Invitae), Labcorp).